The following is an entry in ClinVar:

ClinVar aggregate classification (germline): Benign (1 of 4 stars; one submission).

Conditions:
Lynch syndrome 4 (LYNCH4). Also called: Colorectal cancer, hereditary nonpolyposis, type 4; Hereditary non-polyposis colorectal cancer, type 4. Identifiers: Orphanet 144, MedGen C1838333, MONDO:0013699, OMIM 614337. Disease mechanism: loss of function.

gnomAD v4.1: 3 of 1,122,596 alleles (0.00027%); highest among the groups gnomAD compares: East Asian, 0.0023%; no homozygotes.

Submission:

Myriad Genetics, Inc.
Classification: Benign for Lynch syndrome 4. Last evaluated: 2025-01-28. Review status: criteria provided, single submitter. Criteria: Myriad Autosomal Dominant, Autosomal Recessive and X-Linked Classification Criteria (2023). Collection method: clinical testing. Allele origin: unknown.
Comment: This variant is considered benign. This variant is intronic and is not expected to impact mRNA splicing.

NM_000535.7(PMS2):c.804-58C>T

Gene: PMS2 (PMS1 homolog 2, mismatch repair system component; minus strand). Cytogenetic location: 7p22.1.
Variant type: single nucleotide variant.
Coding change: c.804-58C>T on transcript NM_000535.7 (MANE Select); 58 bases into the intron before coding-DNA position 804, C replaced by T.
Molecular consequence: intron variant.
Genome position (GRCh38, 1-based): chr7:5,995,691, G>A on the plus strand (C>T on the coding strand, the complement: PMS2 is on the minus strand). VCF-style: chr7-5995691-G-A. GRCh37 (hg19) VCF-style: chr7-6035322-G-A.
Other names: c.486-58C>T (NM_001322008.2, NM_001406902.1, NM_001406883.1 and 4 more transcripts); c.495-58C>T (NM_001406881.1, NM_001406879.1, NM_001322015.2 and 6 more transcripts); c.399-58C>T (NM_001406895.1, NM_001322010.2, NM_001322004.2 and 19 more transcripts); c.133-3634C>T (NM_001406911.1); c.291-58C>T (NM_001406904.1, NM_001406905.1); c.231-58C>T (NM_001322013.2, NM_001406909.1); c.-130-58C>T (NM_001322012.2, NM_001322011.2); c.468-58C>T (NM_001406885.1); and 8 more.
Identifiers: ClinVar variation 3903533 (VCV003903533.1).